The following is an entry in ClinVar:

ClinVar aggregate classification (germline): Benign. Review status: criteria provided, multiple submitters, no conflicts (2 of 4 stars). 3 submissions from 3 submitters: Benign (3). Last evaluated 2026-02-04.

Conditions:
Gingival disorder. Also called: Gingival disease. Identifiers: MedGen C0017563, MONDO:0002021.

Allele frequency attached by ClinVar (database versions not stated): 1000 Genomes Project 0.78714; 1000 Genomes Project 30x 0.79232; ESP Exome Variant Server 0.79694; TOPMed 0.79842; ExAC 0.80448.

Submissions (3):

Labcorp Genetics (formerly Invitae), Labcorp
Classification: Benign for Gingival disorder. Last evaluated: 2026-02-04. Review status: criteria provided, single submitter. Criteria: Invitae Variant Classification Sherloc (09022015). Collection method: clinical testing. Allele origin: germline.

Laboratory for Molecular Medicine, Mass General Brigham Personalized Medicine
Classification: Benign. Last evaluated: 2016-03-28. Review status: criteria provided, single submitter. Criteria: LMM Criteria. Collection method: clinical testing. Allele origin: germline.
Comment: Variant identified in a genome or exome case(s) and assessed due to predicted null impact of the variant or pathogenic assertions in the literature or databases. Disclaimer: This variant has not undergone full assessment. The following are preliminary notes: Frequency

Breakthrough Genomics
Classification: Benign. Review status: criteria provided, single submitter. Criteria: ACMG Guidelines, 2015. Collection method: not provided. Allele origin: germline. Inheritance: Unknown mechanism. Affected: yes.

NM_002029.4(FPR1):c.1037A>C (p.Glu346Ala)

Gene: FPR1 (formyl peptide receptor 1; minus strand). Cytogenetic location: 19q13.41.
Variant type: single nucleotide variant.
Coding change: c.1037A>C on transcript NM_002029.4 (MANE Select); coding-DNA position 1037, A replaced by C.
Protein change: p.Glu346Ala; replaces glutamic acid 346 with alanine.
Molecular consequence: missense variant.
Genome position (GRCh38, 1-based): chr19:51,745,958, T>G on the plus strand (A>C on the coding strand, the complement: FPR1 is on the minus strand). VCF-style: chr19-51745958-T-G. GRCh37 (hg19) VCF-style: chr19-52249211-T-G.
Other names: c.1037A>C, p.Glu346Ala (NM_001193306.2); short protein forms E346A.
Identifiers: ClinVar variation 402874 (VCV000402874.17), dbSNP rs867228, ClinGen allele CA9616335.